The following is an entry in ClinVar:

NM_001048166.1(STIL):c.1389G>A (p.Lys463=)

Gene: STIL (STIL centriolar assembly protein; minus strand). Cytogenetic location: 1p33.
Variant type: single nucleotide variant.
Coding change: c.1389G>A on transcript NM_001048166.1 (MANE Select); coding-DNA position 1389, G replaced by A.
Protein change: p.Lys463=; no amino-acid change (lysine 463 retained).
Molecular consequence: synonymous variant.
Genome position (GRCh38, 1-based): chr1:47,281,069, C>T on the plus strand (G>A on the coding strand, the complement: STIL is on the minus strand). VCF-style: chr1-47281069-C-T. GRCh37 (hg19) VCF-style: chr1-47746741-C-T.
Other names: c.1389G>A, p.Lys463= (NM_001282936.1, NM_001282937.1, NM_003035.2); c.1248G>A, p.Lys416= (NM_001282938.1, NM_001282939.1, NM_001377417.1).
Identifiers: ClinVar variation 1917592 (VCV001917592.15), dbSNP rs1350875147, ClinGen allele CA417891923.

ClinVar aggregate classification (germline): Likely benign. Review status: criteria provided, multiple submitters, no conflicts (2 of 4 stars). 2 submissions from 2 submitters: Likely benign (2). Last evaluated 2025-06-01.

Allele frequency attached by ClinVar (database versions not stated): TOPMed below 0.00001; gnomAD 0.00001; gnomAD exomes 0.00001.
gnomAD v4.1: 4 of 1,613,992 alleles (0.00025%); highest among the groups gnomAD compares: Non-Finnish European, 0.00034%; no homozygotes.

Submissions (2):

CeGaT Center for Human Genetics Tuebingen
Classification: Likely benign. Last evaluated: 2025-06-01. Review status: criteria provided, single submitter. Criteria: CeGaT Center For Human Genetics Tuebingen Variant Classification Criteria Version 2. Collection method: clinical testing. Allele origin: germline. Affected: yes. Observed: 1 variant allele.
Comment: STIL: BP4, BP7

Labcorp Genetics (formerly Invitae), Labcorp
Classification: Likely benign. Last evaluated: 2022-09-02. Review status: criteria provided, single submitter. Criteria: Invitae Variant Classification Sherloc (09022015). Collection method: clinical testing. Allele origin: germline.